The following is an entry in ClinVar:

ClinVar aggregate classification (germline): Uncertain significance (1 of 4 stars; one submission).

Allele frequency attached by ClinVar (database versions not stated): gnomAD exomes 0.00001; gnomAD 0.00001; TOPMed below 0.00001.
gnomAD v4.1: 8 of 1,601,192 alleles (0.0005%); highest among the groups gnomAD compares: Admixed American, 0.0017%; no homozygotes.

Submission:

Labcorp Genetics (formerly Invitae), Labcorp
Classification: Uncertain significance. Last evaluated: 2025-11-03. Review status: criteria provided, single submitter. Criteria: Invitae Variant Classification Sherloc (09022015). Collection method: clinical testing. Allele origin: germline.
Comment: This sequence change replaces alanine, which is neutral and non-polar, with threonine, which is neutral and polar, at codon 2 of the AARS2 protein (p.Ala2Thr). The frequency data for this variant in the population databases is considered unreliable, as metrics indicate poor data quality at this position in the gnomAD database. This variant has not been reported in the literature in individuals affected with AARS2-related conditions. ClinVar contains an entry for this variant (Variation ID: 1953699). Invitae Evidence Modeling of protein sequence and biophysical properties (such as structural, functional, and spatial information, amino acid conservation, physicochemical variation, residue mobility, and thermodynamic stability) indicates that this missense variant is not expected to disrupt AARS2 protein function with a negative predictive value of 95%. In summary, the available evidence is currently insufficient to determine the role of this variant in disease. Therefore, it has been classified as a Variant of Uncertain Significance.

NM_020745.4(AARS2):c.4G>A (p.Ala2Thr)

Gene: AARS2 (alanyl-tRNA synthetase 2, mitochondrial; minus strand). Cytogenetic location: 6p21.1.
Variant type: single nucleotide variant.
Coding change: c.4G>A on transcript NM_020745.4 (MANE Select); coding-DNA position 4, G replaced by A.
Protein change: p.Ala2Thr; replaces alanine 2 with threonine.
Molecular consequence: missense variant.
Genome position (GRCh38, 1-based): chr6:44,313,320, C>T on the plus strand (G>A on the coding strand, the complement: AARS2 is on the minus strand). VCF-style: chr6-44313320-C-T. GRCh37 (hg19) VCF-style: chr6-44281057-C-T.
Other names: short protein forms A2T.
Identifiers: ClinVar variation 1953699 (VCV001953699.5), dbSNP rs1376399769, ClinGen allele CA364342348.